The following is an entry in ClinVar:

NM_014363.6(SACS):c.8206del (p.Glu2736fs)

Gene: SACS (sacsin molecular chaperone; minus strand). Cytogenetic location: 13q12.12.
Variant type: Deletion.
Coding change: c.8206del on transcript NM_014363.6 (MANE Select); coding-DNA position 8206, one base deleted (G; older notation c.8206delG).
Protein change: p.Glu2736fs; shifts the reading frame from glutamic acid 2736.
Molecular consequence: frameshift variant.
Genome position (GRCh38, 1-based): chr13:23,335,670, C deleted on the plus strand (G on the coding strand, the reverse complement: SACS is on the minus strand). VCF-style (leftmost placement, unchanged base first): chr13-23335669-TC-T. GRCh37 (hg19) VCF-style: chr13-23909808-TC-T.
Other names: c.7765del, p.Glu2589fs (NM_001278055.2); c.8233del, p.Glu2745fs (NM_001437336.1); short protein forms E2745fs, E2589fs, E2736fs.
Identifiers: ClinVar variation 5004387 (VCV005004387.1).

ClinVar aggregate classification (germline): Pathogenic (1 of 4 stars; one submission).

Conditions:
Charlevoix-Saguenay spastic ataxia (SACS). Also called: AUTOSOMAL RECESSIVE SPASTIC ATAXIA OF CHARLEVOIX-SAGUENAY; Spastic ataxia of Charlevoix-Saguenay; SPASTIC ATAXIA 6, AUTOSOMAL RECESSIVE. Identifiers: Orphanet 98, MedGen C1849140, MONDO:0010041, OMIM 270550.

Submission:

Myriad Genetics, Inc.
Classification: Pathogenic for Charlevoix-Saguenay spastic ataxia. Last evaluated: 2026-01-13. Review status: criteria provided, single submitter. Criteria: Myriad Autosomal Dominant, Autosomal Recessive and X-Linked Classification Criteria (2023). Collection method: clinical testing. Allele origin: unknown.
Comment: NM_014363.4(SACS):c.8206delG(E2736Nfs*3) is a frameshift variant classified as pathogenic in the context of autosomal recessive spastic ataxia of Charlevoix-Saguenay. E2736Nfs*3 has not been observed in cases with relevant disease. Relevant functional assessments of this variant are not available in the literature. E2736Nfs*3 has not been observed in referenced population frequency databases. In summary, NM_014363.4(SACS):c.8206delG(E2736Nfs*3) is a frameshift variant in a gene where loss of function is a known mechanism of disease and is predicted to disrupt protein function. Please note: this variant was assessed in the context of healthy population screening.